The following is an entry in ClinVar:

NM_001009944.3(PKD1):c.5038_5046del (p.Gly1680_Gly1682del)

Gene: PKD1 (polycystin 1, transient receptor potential channel interacting; minus strand). Cytogenetic location: 16p13.3.
Variant type: Deletion.
Coding change: c.5038_5046del on transcript NM_001009944.3 (MANE Select); coding-DNA positions 5038 to 5046, 9 bases deleted (GGCAAAGGC; older notation c.5038_5046delGGCAAAGGC).
Protein change: p.Gly1680_Gly1682del.
Molecular consequence: inframe deletion. On other transcripts: inframe indel (1).
Genome position (GRCh38, 1-based): chr16:2,110,121-2,110,129, GCCTTTGCC deleted on the plus strand (GGCAAAGGC on the coding strand, the reverse complement: PKD1 is on the minus strand); deleting any 9 consecutive bases within chr16:2,110,121-2,110,131 gives the same sequence; the c. name uses the placement nearest the transcript's 3' end. VCF-style (leftmost placement, unchanged base first): chr16-2110120-AGCCTTTGCC-A. GRCh37 (hg19) VCF-style: chr16-2160121-AGCCTTTGCC-A.
Other names: c.5038_5046del, p.Gly1680_Gly1682del (NM_000296.4); c.5038_5046del9 (NM_001009944.2).
Identifiers: ClinVar variation 4991892 (VCV004991892.1).
Genomic context (GRCh38, chr16:2,110,120, plus strand): 5'-GCATGTTGGTGGCCCGCAGCTGCACATGGTAGGTGCCGGCCTCGAGCACGGTGAGCGAGA[AGCCTTTGCC>A]GCTGCCGGCCAGGGCCGGGCCCCTGTCCCTCCAGGCAGTCCAGCTGTAGGAGACGTTGGT-3'

ClinVar aggregate classification (germline): Uncertain significance (1 of 4 stars; one submission).

Conditions:
PKD1-related disorder. Also called: PKD1-related condition.

Submission:

PreventionGenetics, part of Exact Sciences
Classification: Uncertain significance for PKD1-related condition. Last evaluated: 2026-02-25. Review status: criteria provided, single submitter. Criteria: ACMG Guidelines, 2015. Collection method: clinical testing. Allele origin: germline.
Comment: The PKD1 c.5038_5046del9 variant is predicted to result in an in-frame deletion (p.Gly1680_Gly1682del). To our knowledge, this variant has not been reported in the literature or in a large population database (gnomAD), indicating this variant is rare. Of note, small in-frame deletions were commonly reported to be pathogenic for autosomal dominant polycystic kidney disease (ADPKD) (PreventionGenetics, internal data). Although we suspect that this variant may be pathogenic, at this time, the clinical significance of this variant is uncertain due to the absence of conclusive functional and genetic evidence.